The following is an entry in ClinVar:

ClinVar aggregate classification (germline): Uncertain significance (1 of 4 stars; one submission).

Conditions:
Autosomal dominant limb-girdle muscular dystrophy type 1F (LGMDD2). Also called: Limb-girdle muscular dystrophy, type 1F; MUSCULAR DYSTROPHY, LIMB-GIRDLE, AUTOSOMAL DOMINANT 2. Identifiers: Orphanet 55595, MedGen C1842062, MONDO:0012034, OMIM 608423.

Allele frequency attached by ClinVar (database versions not stated): gnomAD exomes below 0.00001; TOPMed below 0.00001.
gnomAD v4.1: 1 of 1,591,332 alleles (0.000063%); highest among the groups gnomAD compares: Non-Finnish European, 0.000086%; no homozygotes.

Submission:

Labcorp Genetics (formerly Invitae), Labcorp
Classification: Uncertain significance for Autosomal dominant limb-girdle muscular dystrophy type 1F. Last evaluated: 2021-09-29. Review status: criteria provided, single submitter. Criteria: Invitae Variant Classification Sherloc (09022015). Collection method: clinical testing. Allele origin: germline.
Comment: This variant is not present in population databases (ExAC no frequency). In summary, the available evidence is currently insufficient to determine the role of this variant in disease. Therefore, it has been classified as a Variant of Uncertain Significance. Algorithms developed to predict the effect of missense changes on protein structure and function (SIFT, PolyPhen-2, Align-GVGD) all suggest that this variant is likely to be tolerated. This variant has not been reported in the literature in individuals affected with TNPO3-related conditions. This sequence change replaces lysine with glutamic acid at codon 593 of the TNPO3 protein (p.Lys593Glu). The lysine residue is moderately conserved and there is a small physicochemical difference between lysine and glutamic acid.

NM_012470.4(TNPO3):c.1777A>G (p.Lys593Glu)

Gene: TNPO3 (transportin 3; minus strand). Cytogenetic location: 7q32.1.
Variant type: single nucleotide variant.
Coding change: c.1777A>G on transcript NM_012470.4 (MANE Select); coding-DNA position 1777, A replaced by G.
Protein change: p.Lys593Glu; replaces lysine 593 with glutamic acid.
Molecular consequence: missense variant. On other transcripts: non-coding transcript variant (18).
Genome position (GRCh38, 1-based): chr7:128,984,173, T>C on the plus strand (A>G on the coding strand, the complement: TNPO3 is on the minus strand). VCF-style: chr7-128984173-T-C. GRCh37 (hg19) VCF-style: chr7-128624227-T-C.
Other names: c.1585A>G, p.Lys529Glu (NM_001191028.3, NM_001382223.1); c.1879A>G, p.Lys627Glu (NM_001382216.1); c.1858A>G, p.Lys620Glu (NM_001382217.1); c.1777A>G, p.Lys593Glu (NM_001382218.1, NM_001382220.1); c.1669A>G, p.Lys557Glu (NM_001382219.1); c.1633A>G, p.Lys545Glu (NM_001382221.1); c.1630A>G, p.Lys544Glu (NM_001382222.1); short protein forms K529E, K620E, K544E, K557E, K593E, K627E, K545E.
Identifiers: ClinVar variation 1435844 (VCV001435844.6), dbSNP rs1009156162, ClinGen allele CA166213525.